The following is an entry in ClinVar:

NM_005881.4(BCKDK):c.943G>C (p.Asp315His)

Gene: BCKDK (branched chain keto acid dehydrogenase kinase; plus strand). Cytogenetic location: 16p11.2.
Variant type: single nucleotide variant.
Coding change: c.943G>C on transcript NM_005881.4 (MANE Select); coding-DNA position 943, G replaced by C.
Protein change: p.Asp315His; replaces aspartic acid 315 with histidine.
Molecular consequence: missense variant.
Genome position (GRCh38, 1-based): chr16:31,111,876, G>C. VCF-style: chr16-31111876-G-C. GRCh37 (hg19) VCF-style: chr16-31123197-G-C.
Other names: c.943G>C, p.Asp315His (NM_001122957.4); c.853G>C, p.Asp285His (NM_001271926.3); short protein forms D315H, D285H.
Identifiers: ClinVar variation 386703 (VCV000386703.2), dbSNP rs1057522581, ClinGen allele CA16607027.

ClinVar aggregate classification (germline): Uncertain significance (1 of 4 stars; one submission).

Submission:

GeneDx
Classification: Uncertain significance. Last evaluated: 2017-02-13. Review status: criteria provided, single submitter. Criteria: GeneDx Variant Classification (06012015). Collection method: clinical testing. Allele origin: germline. Affected: yes.
Comment: The D315H variant in the BCKDK gene has not been reported previously as a pathogenic variant, nor as a benign variant, to our knowledge. The D315H variant was not observed in approximately 6,500 individuals of European and African American ancestry in the NHLBI Exome Sequencing Project, indicating it is not a common benign variant in these populations. The D315H variant is a non-conservative amino acid substitution, which is likely to impact secondary protein structure as these residues differ in polarity, charge, size and/or other properties. This substitution occurs at a position that is conserved across species. In silico analysis predicts this variant is probably damaging to the protein structure/function. We interpret D315H as a variant of uncertain significance.